The following is an entry in ClinVar:

NM_032273.4(TMEM126A):c.20A>G (p.Asn7Ser)

Gene: TMEM126A (transmembrane protein 126A; plus strand). Cytogenetic location: 11q14.1.
Variant type: single nucleotide variant.
Coding change: c.20A>G on transcript NM_032273.4 (MANE Select); coding-DNA position 20, A replaced by G.
Protein change: p.Asn7Ser; replaces asparagine 7 with serine.
Molecular consequence: missense variant. On other transcripts: intron variant (1).
Genome position (GRCh38, 1-based): chr11:85,650,275, A>G. VCF-style: chr11-85650275-A-G. GRCh37 (hg19) VCF-style: chr11-85361319-A-G.
Other names: c.-125+2186A>G (NM_001244735.2); short protein forms N7S.
Identifiers: ClinVar variation 883048 (VCV000883048.10), dbSNP rs768503384, ClinGen allele CA6212656.

ClinVar aggregate classification (germline): Uncertain significance. Review status: criteria provided, multiple submitters, no conflicts (2 of 4 stars). 4 submissions from 4 submitters: Uncertain significance (4). Last evaluated 2024-05-07.

Conditions:
Autosomal recessive optic atrophy, OPA7 type. Also called: OPTIC ATROPHY 7 WITH OR WITHOUT AUDITORY NEUROPATHY. Identifiers: Orphanet 227976, Orphanet 98676, MedGen C2751812, MONDO:0013069, OMIM 612989.

Allele frequency attached by ClinVar (database versions not stated): TOPMed 0.00003.
gnomAD v4.1: 45 of 1,600,558 alleles (0.0028%); highest among the groups gnomAD compares: Admixed American, 0.033%; no homozygotes.

Submissions (4):

Ambry Genetics
Classification: Uncertain significance. Last evaluated: 2024-05-07. Review status: criteria provided, single submitter. Criteria: Ambry Variant Classification Scheme 2023. Collection method: clinical testing. Allele origin: germline.

Blueprint Genetics
Classification: Uncertain significance. Last evaluated: 2023-08-24. Review status: criteria provided, single submitter. Criteria: ACMG Guidelines, 2015. Collection method: clinical testing. Allele origin: germline.

Labcorp Genetics (formerly Invitae), Labcorp
Classification: Uncertain significance. Last evaluated: 2022-10-05. Review status: criteria provided, single submitter. Criteria: Invitae Variant Classification Sherloc (09022015). Collection method: clinical testing. Allele origin: germline.
Comment: This sequence change replaces asparagine, which is neutral and polar, with serine, which is neutral and polar, at codon 7 of the TMEM126A protein (p.Asn7Ser). This variant is present in population databases (rs768503384, gnomAD 0.02%). This variant has not been reported in the literature in individuals affected with TMEM126A-related conditions. ClinVar contains an entry for this variant (Variation ID: 883048). Algorithms developed to predict the effect of missense changes on protein structure and function output the following: SIFT: "Tolerated"; PolyPhen-2: "Benign"; Align-GVGD: "Class C0". The serine amino acid residue is found in multiple mammalian species, which suggests that this missense change does not adversely affect protein function. In summary, the available evidence is currently insufficient to determine the role of this variant in disease. Therefore, it has been classified as a Variant of Uncertain Significance.

Illumina Laboratory Services, Illumina
Classification: Uncertain significance for Autosomal recessive optic atrophy, OPA7 type. Last evaluated: 2018-01-12. Review status: criteria provided, single submitter. Criteria: ICSL Variant Classification Criteria 13 December 2019. Collection method: clinical testing. Allele origin: germline.